The following is an entry in ClinVar:

NM_000329.3(RPE65):c.1208_1209dup (p.Glu404fs)

Gene: RPE65 (retinoid isomerohydrolase RPE65; minus strand). Cytogenetic location: 1p31.3.
Variant type: Duplication.
Coding change: c.1208_1209dup on transcript NM_000329.3 (MANE Select); coding-DNA positions 1208 to 1209, 2 bases duplicated (TG; older notation c.1208_1209dupTG).
Protein change: p.Glu404fs; shifts the reading frame from glutamic acid 404.
Molecular consequence: frameshift variant.
Genome position (GRCh38, 1-based): chr1:68,431,505-68,431,506, CA duplicated on the plus strand (TG on the coding strand, the reverse complement: RPE65 is on the minus strand). VCF-style (leftmost placement, unchanged base first): chr1-68431504-C-CCA. GRCh37 (hg19) VCF-style: chr1-68897187-C-CCA.
Other names: c.1100_1101dup, p.Glu368fs (NM_001406853.1); c.932_933dup, p.Glu312fs (NM_001406856.1, NM_001406857.1); short protein forms E312fs, E368fs, E404fs.
Identifiers: ClinVar variation 5015573 (VCV005015573.1).

ClinVar aggregate classification (germline): Pathogenic (1 of 4 stars; one submission).

Conditions:
RPE65-related recessive retinopathy. Also called: Recessive RPE65 retinopathy. Identifiers: MedGen CN305526, MONDO:0100368.

Submission:

Myriad Genetics, Inc.
Classification: Pathogenic for RPE65-related recessive retinopathy. Last evaluated: 2024-05-14. Review status: criteria provided, single submitter. Criteria: Myriad Autosomal Dominant, Autosomal Recessive and X-Linked Classification Criteria (2023). Collection method: clinical testing. Allele origin: unknown.
Comment: NM_000329.2(RPE65):c.1208_1209dupTG(E404Wfs*37) is expected to be pathogenic in the context of inherited retinal dystrophy, RPE65-related. This variant is predicted to lead to an abnormal or absent protein product due to the creation of a premature termination codon in RPE65, a gene where loss-of-function variants are known to be pathogenic. Please note: this variant was assessed in the context of healthy population screening.